The following is an entry in ClinVar:

ClinVar aggregate classification (germline): Pathogenic (1 of 4 stars; one submission).

Submission:

Labcorp Genetics (formerly Invitae), Labcorp
Classification: Pathogenic. Last evaluated: 2024-04-23. Review status: criteria provided, single submitter. Criteria: Invitae Variant Classification Sherloc (09022015). Collection method: clinical testing. Allele origin: germline.
Comment: This sequence change creates a premature translational stop signal (p.Gln304*) in the POGLUT1 gene. It is expected to result in an absent or disrupted protein product. Loss-of-function variants in POGLUT1 are known to be pathogenic (PMID: 24387993). This variant is not present in population databases (gnomAD no frequency). This variant has not been reported in the literature in individuals affected with POGLUT1-related conditions. Algorithms developed to predict the effect of sequence changes on RNA splicing suggest that this variant may disrupt the consensus splice site. For these reasons, this variant has been classified as Pathogenic.

Literature cited by the submitters: PubMed 24387993.

NM_152305.3(POGLUT1):c.910C>T (p.Gln304Ter)

Gene: POGLUT1 (protein O-glucosyltransferase 1; plus strand). Cytogenetic location: 3q13.33.
Variant type: single nucleotide variant.
Coding change: c.910C>T on transcript NM_152305.3 (MANE Select); coding-DNA position 910, C replaced by T.
Protein change: p.Gln304Ter; replaces glutamine 304 with a stop codon.
Molecular consequence: nonsense. On other transcripts: non-coding transcript variant (1).
Genome position (GRCh38, 1-based): chr3:119,490,663, C>T. VCF-style: chr3-119490663-C-T. GRCh37 (hg19) VCF-style: chr3-119209510-C-T.
Other names: short protein forms Q304*.
Identifiers: ClinVar variation 3643343 (VCV003643343.2).